The following is an entry in ClinVar:

NM_006516.4(SLC2A1):c.11G>A (p.Ser4Asn)

Gene: SLC2A1 (solute carrier family 2 member 1; minus strand). Cytogenetic location: 1p34.2.
Variant type: single nucleotide variant.
Coding change: c.11G>A on transcript NM_006516.4 (MANE Select); coding-DNA position 11, G replaced by A.
Protein change: p.Ser4Asn; replaces serine 4 with asparagine.
Molecular consequence: missense variant.
Genome position (GRCh38, 1-based): chr1:42,958,641, C>T on the plus strand (G>A on the coding strand, the complement: SLC2A1 is on the minus strand). VCF-style: chr1-42958641-C-T. GRCh37 (hg19) VCF-style: chr1-43424312-C-T.
Other names: short protein forms S4N.
Identifiers: ClinVar variation 1946049 (VCV001946049.11), dbSNP rs1335592731, ClinGen allele CA339965880.
Genomic context (GRCh38, chr1:42,958,641, plus strand): 5'-CAGGAGTCTGCGCCTTTGTTCCTGGCGGGAGGGCCCGCGGGCGCGCGACTCACCTTGCTG[C>T]TGGGCTCCATGGCAGCGCTGCGCTGGTGGCTCTGGCTGCGCCGGGTACGCGGGTGGCGAC-3'
Protein context (NP_006507.2, residues 1-14): MEP[Ser4Asn]SKKLTGRLML

ClinVar aggregate classification (germline): Uncertain significance. Review status: criteria provided, multiple submitters, no conflicts (2 of 4 stars). 2 submissions from 2 submitters: Uncertain significance (2). Last evaluated 2025-11-01.

Conditions:
GLUT1 deficiency syndrome 1, autosomal recessive. Identifiers: MedGen C3149117.

Allele frequency attached by ClinVar (database versions not stated): gnomAD exomes below 0.00001.

Submissions (2):

CeGaT Center for Human Genetics Tuebingen
Classification: Uncertain significance. Last evaluated: 2025-11-01. Review status: criteria provided, single submitter. Criteria: CeGaT Center For Human Genetics Tuebingen Variant Classification Criteria Version 2. Collection method: clinical testing. Allele origin: germline. Affected: yes. Observed: 1 variant allele.
Comment: SLC2A1: PM2:Supporting

Labcorp Genetics (formerly Invitae), Labcorp
Classification: Uncertain significance for GLUT1 deficiency syndrome 1, autosomal recessive. Last evaluated: 2023-08-17. Review status: criteria provided, single submitter. Criteria: Invitae Variant Classification Sherloc (09022015). Collection method: clinical testing. Allele origin: germline.
Comment: In summary, the available evidence is currently insufficient to determine the role of this variant in disease. Therefore, it has been classified as a Variant of Uncertain Significance. Advanced modeling of protein sequence and biophysical properties (such as structural, functional, and spatial information, amino acid conservation, physicochemical variation, residue mobility, and thermodynamic stability) performed at Invitae indicates that this missense variant is not expected to disrupt SLC2A1 protein function. ClinVar contains an entry for this variant (Variation ID: 1946049). This variant has not been reported in the literature in individuals affected with SLC2A1-related conditions. This variant is not present in population databases (gnomAD no frequency). This sequence change replaces serine, which is neutral and polar, with asparagine, which is neutral and polar, at codon 4 of the SLC2A1 protein (p.Ser4Asn).